The following is an entry in ClinVar:

NM_001903.5(CTNNA1):c.1345C>T (p.Leu449Phe)

Gene: CTNNA1 (catenin alpha 1; plus strand). Cytogenetic location: 5q31.2.
Variant type: single nucleotide variant.
Coding change: c.1345C>T on transcript NM_001903.5 (MANE Select); coding-DNA position 1345, C replaced by T.
Protein change: p.Leu449Phe; replaces leucine 449 with phenylalanine.
Molecular consequence: missense variant. On other transcripts: 5 prime UTR variant (6), intron variant (3).
Genome position (GRCh38, 1-based): chr5:138,904,397, C>T. VCF-style: chr5-138904397-C-T. GRCh37 (hg19) VCF-style: chr5-138240086-C-T.
Other names: c.1345C>T, p.Leu449Phe (NM_001290307.3, NM_001323982.2, NM_001323983.1 and 2 more transcripts); c.1036C>T, p.Leu346Phe (NM_001290309.3); c.976C>T, p.Leu326Phe (NM_001290310.3); c.235C>T, p.Leu79Phe (NM_001290312.1, NM_001323987.1, NM_001323988.1 and 17 more transcripts); c.-163C>T (NM_001324006.1, NM_001324007.1, NM_001324008.1 and 1 more transcripts); c.-9C>T (NM_001324012.1, NM_001324013.1); c.1297-13345C>T (NM_001323986.2); c.187-13345C>T (NM_001324011.1); and 1 more; short protein forms L326F, L449F, L79F, L346F.
Identifiers: ClinVar variation 1770459 (VCV001770459.3), dbSNP rs2533353515, ClinGen allele CA361135965.
Genomic context (GRCh38, chr5:138,904,397, plus strand): 5'-TTATGTTTATAGGTTGCCAACTTGGCCTGTTCCATCTCAAATAATGAAGAAGGTGTAAAG[C>T]TTGTTCGAATGTCTGCAAGCCAGTTAGAAGCCCTCTGTCCTCAGGTAAAGTACAACTGAC-3'
Protein context (NP_001894.2, residues 439-459): SISNNEEGVK[Leu449Phe]VRMSASQLEA

ClinVar aggregate classification (germline): Uncertain significance (1 of 4 stars; one submission).

Conditions:
Hereditary cancer-predisposing syndrome. Also called: Hereditary Cancer Syndrome; Hereditary neoplastic syndrome; Neoplastic Syndromes, Hereditary; Tumor predisposition. Identifiers: Orphanet 140162, MedGen C0027672, MeSH D009386, MONDO:0015356.

Allele frequency attached by ClinVar (database versions not stated): gnomAD exomes below 0.00001.
gnomAD v4.1: 3 of 1,614,106 alleles (0.00019%); highest among the groups gnomAD compares: Non-Finnish European, 0.00017%; no homozygotes.

Submission:

Ambry Genetics
Classification: Uncertain significance for Hereditary cancer-predisposing syndrome. Last evaluated: 2025-05-16. Review status: criteria provided, single submitter. Criteria: Ambry Variant Classification Scheme 2023. Collection method: clinical testing. Allele origin: germline.
Comment: The p.L449F variant (also known as c.1345C>T), located in coding exon 9 of the CTNNA1 gene, results from a C to T substitution at nucleotide position 1345. The leucine at codon 449 is replaced by phenylalanine, an amino acid with highly similar properties. This amino acid position is highly conserved in available vertebrate species. In addition, the in silico prediction for this alteration is inconclusive. Based on the available evidence, the clinical significance of this variant remains unclear.